The following is an entry in ClinVar:

ClinVar aggregate classification (germline): Uncertain significance. Review status: criteria provided, multiple submitters, no conflicts (2 of 4 stars). 2 submissions from 2 submitters: Uncertain significance (2). Last evaluated 2024-09-23.

Conditions:
Familial thoracic aortic aneurysm and aortic dissection (TAAD). Also called: Thoracic aortic aneurysms and dissections. Identifiers: Orphanet 91387, MedGen C4707243, MONDO:0019625.
Marfan syndrome (MFS). Also called: MARFAN SYNDROME, TYPE I; Marfan syndrome type 1; Marfan's syndrome; Marfan syndrome, classic; FBN1-Related Marfan Syndrome. Identifiers: Orphanet 284963, Orphanet 558, MedGen C0024796, MONDO:0007947, OMIM 154700.

Allele frequency attached by ClinVar (database versions not stated): gnomAD exomes below 0.00001.
gnomAD v4.1: 1 of 1,614,024 alleles (0.000062%); highest among the groups gnomAD compares: Non-Finnish European, 0.000085%; no homozygotes.

Submissions (2):

All of Us Research Program, National Institutes of Health
Classification: Uncertain significance for Marfan syndrome. Last evaluated: 2024-09-23. Review status: criteria provided, single submitter. Criteria: ACMG Guidelines, 2015. Collection method: clinical testing. Allele origin: germline. Inheritance: Autosomal dominant inheritance. Observed: 1 variant allele, 1 heterozygote.
Comment: This study involves interpretation of variants in research participants for the purpose of population health screening. Participant phenotype was not available at the time of variant classification. Additional details can be found in publication PMID: 35346344, PMCID: PMC8962531

Labcorp Genetics (formerly Invitae), Labcorp
Classification: Uncertain significance for Marfan syndrome; Familial thoracic aortic aneurysm and aortic dissection. Last evaluated: 2022-10-14. Review status: criteria provided, single submitter. Criteria: Invitae Variant Classification Sherloc (09022015). Collection method: clinical testing. Allele origin: germline.
Comment: In summary, the available evidence is currently insufficient to determine the role of this variant in disease. Therefore, it has been classified as a Variant of Uncertain Significance. Advanced modeling of protein sequence and biophysical properties (such as structural, functional, and spatial information, amino acid conservation, physicochemical variation, residue mobility, and thermodynamic stability) performed at Invitae indicates that this missense variant is expected to disrupt FBN1 protein function. This variant has not been reported in the literature in individuals affected with FBN1-related conditions. This variant is not present in population databases (gnomAD no frequency). This sequence change replaces glycine, which is neutral and non-polar, with aspartic acid, which is acidic and polar, at codon 2573 of the FBN1 protein (p.Gly2573Asp).

NM_000138.5(FBN1):c.7718G>A (p.Gly2573Asp)

Gene: FBN1 (fibrillin 1; minus strand). Cytogenetic location: 15q21.1.
Variant type: single nucleotide variant.
Coding change: c.7718G>A on transcript NM_000138.5 (MANE Select); coding-DNA position 7718, G replaced by A.
Protein change: p.Gly2573Asp; replaces glycine 2573 with aspartic acid.
Molecular consequence: missense variant.
Genome position (GRCh38, 1-based): chr15:48,420,788, C>T on the plus strand (G>A on the coding strand, the complement: FBN1 is on the minus strand). VCF-style: chr15-48420788-C-T. GRCh37 (hg19) VCF-style: chr15-48712985-C-T.
Other names: c.7718G>A, p.Gly2573Asp (NM_001406716.1); short protein forms G2573D.
Identifiers: ClinVar variation 2160488 (VCV002160488.5), dbSNP rs2505395321, ClinGen allele CA392324811.
Genomic context (GRCh38, chr15:48,420,788, plus strand): 5'-GGGCAGCTGCACCTGTAGCCCCCAATGATGTTCTGGCAGCCATGCTGGCAGCGGTGGTTA[C>T]CCTCACACTCGTCCACGTCTGAAAAAGAAGCAGAGCCACCATGATGCCAACTCAACATCT-3'
Protein context (NP_000129.3, residues 2563-2583): SSCEDVDECE[Gly2573Asp]NHRCQHGCQN